The following is an entry in ClinVar:

NM_002528.7(NTHL1):c.89del (p.Pro30fs)

Gene: NTHL1 (nth like DNA glycosylase 1; minus strand). Cytogenetic location: 16p13.3.
Variant type: Deletion.
Coding change: c.89del on transcript NM_002528.7 (MANE Select); coding-DNA position 89, one base deleted (C; older notation c.89delC).
Protein change: p.Pro30fs; shifts the reading frame from proline 30.
Molecular consequence: frameshift variant. On other transcripts: 5 prime UTR variant (1).
Genome position (GRCh38, 1-based): chr16:2,047,735, G deleted on the plus strand (C on the coding strand, the reverse complement: NTHL1 is on the minus strand); the first of 2 consecutive G bases (chr16:2,047,735-2,047,736); deleting either gives the same sequence. VCF-style (leftmost placement, unchanged base first): chr16-2047734-AG-A. GRCh37 (hg19) VCF-style: chr16-2097735-AG-A.
Other names: c.89del, p.Pro30fs (NM_001318193.2); c.-90del (NM_001318194.2); short protein forms P30fs.
Identifiers: ClinVar variation 5042303 (VCV005042303.1).

ClinVar aggregate classification (germline): Pathogenic (1 of 4 stars; one submission).

Conditions:
Familial adenomatous polyposis 3. Also called: NTHL1-Related Adenomatous Polyposis and Colorectal Cancer; NTHL1 Tumor Syndrome; NTHL1-related attenuated familial adenomatous polyposis; NTHL1-associated polyposis. Identifiers: Orphanet 220460, Orphanet 454840, MedGen C4225157, MONDO:0014630, OMIM 616415.

Submission:

Myriad Genetics, Inc.
Classification: Pathogenic for Familial adenomatous polyposis 3. Last evaluated: 2026-09-29. Review status: criteria provided, single submitter. Criteria: Myriad Autosomal Dominant, Autosomal Recessive and X-Linked Classification Criteria (2023). Collection method: clinical testing. Allele origin: unknown.
Comment: This variant is considered pathogenic. This variant creates a frameshift predicted to result in premature protein truncation.